The following is an entry in ClinVar:

ClinVar aggregate classification (germline): Uncertain significance (1 of 4 stars; one submission).

Conditions:
NRP2-related disorder. Also called: NRP2-related condition.

gnomAD v4.1: 2 of 1,614,198 alleles (0.00012%); highest among the groups gnomAD compares: Non-Finnish European, 0.000085%; no homozygotes.

Submission:

PreventionGenetics, part of Exact Sciences
Classification: Uncertain significance for NRP2-related condition. Last evaluated: 2025-01-11. Review status: criteria provided, single submitter. Criteria: ACMG Guidelines, 2015. Collection method: clinical testing. Allele origin: germline.
Comment: The NRP2 c.1093G>A variant is predicted to result in the amino acid substitution p.Val365Ile. To our knowledge, this variant has not been reported in the literature or in a large population database (gnomAD), indicating this variant is rare. At this time, the clinical significance of this variant is uncertain due to the absence of conclusive functional and genetic evidence.

NM_003872.3(NRP2):c.1093G>A (p.Val365Ile)

Gene: NRP2 (neuropilin 2; plus strand). Cytogenetic location: 2q33.3.
Variant type: single nucleotide variant.
Coding change: c.1093G>A on transcript NM_003872.3 (MANE Select); coding-DNA position 1093, G replaced by A.
Protein change: p.Val365Ile; replaces valine 365 with isoleucine.
Molecular consequence: missense variant.
Genome position (GRCh38, 1-based): chr2:205,727,993, G>A. VCF-style: chr2-205727993-G-A. GRCh37 (hg19) VCF-style: chr2-206592717-G-A.
Other names: c.1093G>A, p.Val365Ile (NM_018534.4, NM_201264.2, NM_201266.2 and 2 more transcripts); short protein forms V365I.
Identifiers: ClinVar variation 4989970 (VCV004989970.1).